The following is an entry in ClinVar:

ClinVar aggregate classification (germline): Pathogenic (1 of 4 stars; one submission).

Submission:

Labcorp Genetics (formerly Invitae), Labcorp
Classification: Pathogenic. Last evaluated: 2025-03-07. Review status: criteria provided, single submitter. Criteria: Invitae Variant Classification Sherloc (09022015). Collection method: clinical testing. Allele origin: germline.
Comment: This sequence change creates a premature translational stop signal (p.Gln392*) in the SERPING1 gene. It is expected to result in an absent or disrupted protein product. Loss-of-function variants in SERPING1 are known to be pathogenic (PMID: 11112899, 24456027). This variant is not present in population databases (gnomAD no frequency). This premature translational stop signal has been observed in individual(s) with hereditary angioedema (PMID: 18586324, 23123409). This variant is also known as Gln370X. ClinVar contains an entry for this variant (Variation ID: 1457609). For these reasons, this variant has been classified as Pathogenic.

Literature cited by the submitters: PubMed 11112899; PubMed 24456027; PubMed 18586324; PubMed 23123409.

NM_000062.3(SERPING1):c.1174C>T (p.Gln392Ter)

Gene: SERPING1 (serpin family G member 1; plus strand). Cytogenetic location: 11q12.1.
Variant type: single nucleotide variant.
Coding change: c.1174C>T on transcript NM_000062.3 (MANE Select); coding-DNA position 1174, C replaced by T.
Protein change: p.Gln392Ter; replaces glutamine 392 with a stop codon.
Molecular consequence: nonsense.
Genome position (GRCh38, 1-based): chr11:57,611,861, C>T. VCF-style: chr11-57611861-C-T. GRCh37 (hg19) VCF-style: chr11-57379334-C-T.
Other names: c.1174C>T, p.Gln392Ter (NM_001032295.2); short protein forms Q392*.
Identifiers: ClinVar variation 1457609 (VCV001457609.8), dbSNP rs2135324708, ClinGen allele CA380703190.